The following is an entry in ClinVar:

NM_000551.4(VHL):c.319C>A (p.Arg107Ser)

Gene: VHL (von Hippel-Lindau tumor suppressor; plus strand). Cytogenetic location: 3p25.3.
Variant type: single nucleotide variant.
Coding change: c.319C>A on transcript NM_000551.4 (MANE Select); coding-DNA position 319, C replaced by A.
Protein change: p.Arg107Ser; replaces arginine 107 with serine.
Molecular consequence: missense variant. On other transcripts: non-coding transcript variant (1).
Genome position (GRCh38, 1-based): chr3:10,142,166, C>A. VCF-style: chr3-10142166-C-A. GRCh37 (hg19) VCF-style: chr3-10183850-C-A.
Other names: c.319C>A, p.Arg107Ser (NM_001354723.2, NM_198156.3); short protein forms R107S.
Identifiers: ClinVar variation 2942065 (VCV002942065.3), dbSNP rs397516440, ClinGen allele CA351751190.
Genomic context (GRCh38, chr3:10,142,166, plus strand): 5'-GTATGGCTCAACTTCGACGGCGAGCCGCAGCCCTACCCAACGCTGCCGCCTGGCACGGGC[C>A]GCCGCATCCACAGCTACCGAGGTACGGGCCCGGCGCTTAGGCCCGACCCAGCAGGGACGA-3'
Protein context (NP_000542.1, residues 97-117): PYPTLPPGTG[Arg107Ser]RIHSYRGHLW

ClinVar aggregate classification (germline): Pathogenic (1 of 4 stars; one submission).

Conditions:
Chuvash polycythemia. Also called: POLYCYTHEMIA, VHL-DEPENDENT. Identifiers: Orphanet 238557, MedGen C1837915, MONDO:0009892, OMIM 263400.
Von Hippel-Lindau syndrome (VHLS). Also called: von Hippel–Lindau syndrome; VHL syndrome; Von Hippel-Lindau. Identifiers: Orphanet 892, MedGen C0019562, MONDO:0008667, OMIM 193300. Disease mechanism: loss of function.

Submission:

Labcorp Genetics (formerly Invitae), Labcorp
Classification: Pathogenic for Von Hippel-Lindau syndrome; Chuvash polycythemia. Last evaluated: 2024-03-02. Review status: criteria provided, single submitter. Criteria: Invitae Variant Classification Sherloc (09022015). Collection method: clinical testing. Allele origin: germline.
Comment: This sequence change replaces arginine, which is basic and polar, with serine, which is neutral and polar, at codon 107 of the VHL protein (p.Arg107Ser). This variant is not present in population databases (gnomAD no frequency). This missense change has been observed in individuals with clinical features of von Hippel-Lindau (VHL) syndrome (PMID: 26230854; Invitae). Advanced modeling of protein sequence and biophysical properties (such as structural, functional, and spatial information, amino acid conservation, physicochemical variation, residue mobility, and thermodynamic stability) performed at Invitae indicates that this missense variant is expected to disrupt VHL protein function with a positive predictive value of 95%. This variant disrupts the p.Arg107 amino acid residue in VHL. Other variant(s) that disrupt this residue have been determined to be pathogenic (PMID: 12202531, 19336503). This suggests that this residue is clinically significant, and that variants that disrupt this residue are likely to be disease-causing. For these reasons, this variant has been classified as Pathogenic.

Literature cited by the submitters: PubMed 26230854; PubMed 12202531; PubMed 19336503.